The following is an entry in ClinVar:

ClinVar aggregate classification (germline): Pathogenic. Review status: reviewed by expert panel (3 of 4 stars). 10 submissions from 10 submitters: Pathogenic (1). 9 of the submissions do not count toward it. Last evaluated 2016-09-08.

Conditions:
Hereditary cancer-predisposing syndrome. Also called: Hereditary Cancer Syndrome; Neoplastic Syndromes, Hereditary; Hereditary neoplastic syndrome; Tumor predisposition. Identifiers: Orphanet 140162, MedGen C0027672, MeSH D009386, MONDO:0015356.
Gastric cancer. Also called: Stomach cancer; Malignant tumor of stomach. Identifiers: MedGen C0024623, MeSH D013274, MONDO:0001056, OMIM 613659, HP:0012126.
Hereditary breast ovarian cancer syndrome. Also called: Hereditary breast and ovarian cancer syndrome; Breast and ovarian cancer; BRCA1- and BRCA2-Associated Hereditary Breast and Ovarian Cancer; Hereditary breast and/or ovarian cancer syndrome; Hereditary breast and ovarian cancer; Hereditary breast and ovarian cancer syndrome (HBOC). Identifiers: Orphanet 145, MedGen C0677776, MeSH D061325, MONDO:0003582. Disease mechanism: loss of function.
Breast-ovarian cancer, familial, susceptibility to, 2 (BROVCA2). Also called: BRCA2 Hereditary Breast and Ovarian Cancer. Identifiers: Orphanet 145, MedGen C2675520, MONDO:0012933, OMIM 612555. Disease mechanism: loss of function.
Familial cancer of breast. Also called: hereditary breast carcinoma; Hereditary breast cancer; BREAST CANCER, FAMILIAL. Identifiers: Orphanet 227535, MedGen C0346153, MONDO:0016419, OMIM 114480. Disease mechanism: loss of function.

Submissions (10):

Evidence-based Network for the Interpretation of Germline Mutant Alleles (ENIGMA)
Classification: Pathogenic for Breast-ovarian cancer, familial, susceptibility to, 2. Last evaluated: 2016-09-08. Review status: reviewed by expert panel. Criteria: ENIGMA BRCA1/2 Classification Criteria (2015). Collection method: curation. Allele origin: germline.
Comment: Variant allele predicted to encode a truncated non-functional protein.

Labcorp Genetics (formerly Invitae), Labcorp
Classification: Pathogenic for Hereditary breast ovarian cancer syndrome. Last evaluated: 2025-08-26. Review status: criteria provided, single submitter. Criteria: Invitae Variant Classification Sherloc (09022015). Collection method: clinical testing. Allele origin: germline. Not counted in ClinVar's aggregate classification.
Comment: This sequence change creates a premature translational stop signal (p.Asn1603Lysfs*6) in the BRCA2 gene. It is expected to result in an absent or disrupted protein product. Loss-of-function variants in BRCA2 are known to be pathogenic (PMID: 20104584). This variant is present in population databases (rs80359466, gnomAD 0.002%). This premature translational stop signal has been observed in individual(s) with a personal and family history of breast or ovarian cancer (PMID: 8988179). This variant is also known as 5032insA. ClinVar contains an entry for this variant (Variation ID: 51719). For these reasons, this variant has been classified as Pathogenic.

Variantyx, Inc.
Classification: Pathogenic for Breast-ovarian cancer, familial, susceptibility to, 2. Last evaluated: 2025-06-05. Review status: criteria provided, single submitter. Criteria: Variantyx Assertion Criteria 2022. Collection method: clinical testing. Allele origin: germline. Inheritance: Autosomal dominant inheritance. Affected: yes. Not counted in ClinVar's aggregate classification.
Comment: This is a frameshift variant in the BRCA2 gene (OMIM: 600185). Pathogenic variants in this gene have been associated with autosomal dominant familial breast-ovarian cancer 2. This variant introduces a premature termination codon in exon 11 out of 27 and is expected to result in loss of function, which is a known disease mechanism for BRCA2 in this disorder (PMID: 8988179) (PVS1). This variant has been reported in several unrelated affected individuals (PMID: 8988179, 10486320, 10486320, 30322717, 30720243, 36243179) (PS4), while it has a 0.0001% maximum allele frequency in non-founder control populations (PM2). Other reputable laboratories have reported this variant as pathogenic or likely pathogenic, and this classification has been validated by an expert panel in ClinVar (PP5). Based on the current evidence, this variant is classified as pathogenic for autosomal dominant familial breast-ovarian cancer 2

GeneDx
Classification: Pathogenic. Last evaluated: 2024-12-03. Review status: criteria provided, single submitter. Criteria: GeneDx Variant Classification Process June 2021. Collection method: clinical testing. Allele origin: germline. Affected: yes. Not counted in ClinVar's aggregate classification.
Comment: Frameshift variant predicted to result in protein truncation or nonsense mediated decay in a gene for which loss of function is a known mechanism of disease; Observed in individuals with a personal or family history consistent with pathogenic variants in this gene (PMID: 8988179, 30322717); Truncating variants in this gene are considered pathogenic by a well-established clinical consortium and/or database; Not observed at significant frequency in large population cohorts (gnomAD); Also known as 5036dupA and 5032insA; This variant is associated with the following publications: (PMID: 8988179, 10486320, 30322717, 30720243, 29922827, 36243179)

Ambry Genetics
Classification: Pathogenic for Hereditary cancer-predisposing syndrome. Last evaluated: 2024-08-30. Review status: criteria provided, single submitter. Criteria: Ambry Variant Classification Scheme 2023. Collection method: clinical testing. Allele origin: germline. Not counted in ClinVar's aggregate classification.
Comment: The c.4808dupA pathogenic mutation, located in coding exon 10 of the BRCA2 gene, results from a duplication of A at nucleotide position 4808, causing a translational frameshift with a predicted alternate stop codon (p.N1603Kfs*6). This mutation, deisgnated as 5032insA, has been previously reported in a hereditary breast and ovarian cancer (HBOC) syndrome family (Gayther SA et al. Nat. Genet., 1997 Jan;15:103-5). This mutation was also identified in a cohort of 4439 women with ovarian cancer who underwent multi gene panel testing for hereditary cancer (Carter NJ et al. Gynecol. Oncol., 2018 12;151:481-488). In addition to the clinical data presented in the literature, this alteration is expected to result in loss of function by premature protein truncation or nonsense-mediated mRNA decay. As such, this alteration is interpreted as a disease-causing mutation.

Women's Health and Genetics/Laboratory Corporation of America, LabCorp
Classification: Pathogenic for Hereditary breast ovarian cancer syndrome. Last evaluated: 2024-03-28. Review status: criteria provided, single submitter. Criteria: LabCorp Variant Classification Summary - May 2015. Collection method: clinical testing. Allele origin: germline. Not counted in ClinVar's aggregate classification.
Comment: Variant summary: BRCA2 c.4808dupA (p.Asn1603LysfsX6) results in a premature termination codon, predicted to cause a truncation of the encoded protein or absence of the protein due to nonsense mediated decay, which are commonly known mechanisms for disease. The variant allele was found at a frequency of 8e-06 in 250260 control chromosomes. c.4808dupA has been reported in the literature in individuals affected with Hereditary Breast And Ovarian Cancer Syndrome (example, Gayther_1997). The following publication has been ascertained in the context of this evaluation (PMID: 8988179). ClinVar contains an entry for this variant (Variation ID: 51719). Based on the evidence outlined above, the variant was classified as pathogenic.

Baylor Genetics
Classification: Pathogenic for Familial cancer of breast. Last evaluated: 2024-02-27. Review status: criteria provided, single submitter. Criteria: ACMG Guidelines, 2015. Collection method: clinical testing. Allele origin: unknown. Not counted in ClinVar's aggregate classification.

Color Diagnostics, LLC DBA Color Health
Classification: Pathogenic for Hereditary cancer-predisposing syndrome. Last evaluated: 2021-10-04. Review status: criteria provided, single submitter. Criteria: ACMG Guidelines, 2015. Collection method: clinical testing. Allele origin: germline. Not counted in ClinVar's aggregate classification.
Comment: This variant inserts 1 nucleotide in exon 11 of the BRCA2 gene, creating a frameshift and premature translation stop signal. This variant is expected to result in an absent or non-functional protein product. This variant has been reported in a family affected with hereditary breast and ovarian cancer (PMID. 8988179) and in an individual affected with ovarian cancer (PMID: 30322717). This variant has been identified in 2/250260 chromosomes in the general population by the Genome Aggregation Database (gnomAD). Loss of BRCA2 function is a known mechanism of disease. Based on the available evidence, this variant is classified as Pathogenic.

Laboratory for Genotyping Development, RIKEN
Classification: Pathogenic for Gastric cancer. Last evaluated: 2021-07-01. Review status: no assertion criteria provided. Collection method: research. Allele origin: germline. Not counted in ClinVar's aggregate classification.

Breast Cancer Information Core (BIC) (BRCA2)
Classification: Pathogenic for Breast-ovarian cancer, familial 2. Last evaluated: 2002-06-20. Review status: no assertion criteria provided. Collection method: clinical testing. Allele origin: germline. Affected: yes. Observed: 1 variant allele. Not counted in ClinVar's aggregate classification.

Literature cited by the submitters: PubMed 20104584 (cited by Labcorp Genetics (formerly Invitae), Labcorp); PubMed 8988179 (cited by 5 submitters); PubMed 10486320 (cited by Variantyx, Inc.); PubMed 30322717 (cited by 3 submitters); PubMed 30720243 (cited by Variantyx, Inc.); PubMed 36243179 (cited by Variantyx, Inc.); PubMed 36988593 (cited by Laboratory for Genotyping Development, RIKEN).

NM_000059.4(BRCA2):c.4808dup (p.Asn1603fs)

Gene: BRCA2 (BRCA2 DNA repair associated; plus strand). Cytogenetic location: 13q13.1.
Variant type: Duplication.
Coding change: c.4808dup on transcript NM_000059.4 (MANE Select); coding-DNA position 4808, one base duplicated (A; older notation c.4808dupA).
Protein change: p.Asn1603fs; shifts the reading frame from asparagine 1603.
Molecular consequence: frameshift variant.
Genome position (GRCh38, 1-based): chr13:32,339,163, A duplicated; the last of 5 consecutive A bases (chr13:32,339,159-32,339,163); duplicating any one gives the same sequence. VCF-style (leftmost placement, unchanged base first): chr13-32339158-T-TA. GRCh37 (hg19) VCF-style: chr13-32913295-T-TA.
Other names: 5036insA; c.4808dupA (NM_000059.3); c.4808dup (NM_000059.3); short protein forms N1603fs.
Identifiers: ClinVar variation 51719 (VCV000051719.74), dbSNP rs80359466, ClinGen allele CA020855.